The following is an entry in ClinVar:

NM_024753.5(TTC21B):c.2009T>C (p.Ile670Thr)

Gene: TTC21B (tetratricopeptide repeat domain 21B; minus strand). Cytogenetic location: 2q24.3.
Variant type: single nucleotide variant.
Coding change: c.2009T>C on transcript NM_024753.5 (MANE Select); coding-DNA position 2009, T replaced by C.
Protein change: p.Ile670Thr; replaces isoleucine 670 with threonine.
Molecular consequence: missense variant.
Genome position (GRCh38, 1-based): chr2:165,915,330, A>G on the plus strand (T>C on the coding strand, the complement: TTC21B is on the minus strand). VCF-style: chr2-165915330-A-G. GRCh37 (hg19) VCF-style: chr2-166771840-A-G.
Other names: c.2009T>C (NM_024753.4); short protein forms I670T.
Identifiers: ClinVar variation 1502806 (VCV001502806.6), dbSNP rs778504663, ClinGen allele CA1941958.

ClinVar aggregate classification (germline): Uncertain significance. Review status: criteria provided, multiple submitters, no conflicts (2 of 4 stars). 3 submissions from 3 submitters: Uncertain significance (3). Last evaluated 2025-01-24.

Conditions:
Nephronophthisis. Also called: Juvenile Nephronophthisis. Identifiers: Orphanet 655, MedGen C0687120, MONDO:0019005, HP:0000090.
Jeune thoracic dystrophy. Also called: Short-rib thoracic dysplasia; Jeune syndrome; Infantile thoracic dystrophy; Thoracic pelvic phalangeal dystrophy; Jeune's syndrome; Chondroectodermal dysplasia-like syndrome. Identifiers: Orphanet 474, MedGen C0265275, MONDO:0018770.
TTC21B-related disorder. Also called: TTC21B-related condition; TTC21B-related disorders.

Allele frequency attached by ClinVar (database versions not stated): gnomAD exomes below 0.00001; ExAC 0.00001; TOPMed 0.00001.
gnomAD v4.1: 4 of 1,614,128 alleles (0.00025%); highest among the groups gnomAD compares: East Asian, 0.0022%; no homozygotes.

Submissions (3):

PreventionGenetics, part of Exact Sciences
Classification: Uncertain significance for TTC21B-related condition. Last evaluated: 2025-01-24. Review status: criteria provided, single submitter. Criteria: ACMG Guidelines, 2015. Collection method: clinical testing. Allele origin: germline.
Comment: The TTC21B c.2009T>C variant is predicted to result in the amino acid substitution p.Ile670Thr. To our knowledge, this variant has not been reported in the literature. This variant is reported in 0.0015% of alleles in individuals of European (Non-Finnish) descent in gnomAD. At this time, the clinical significance of this variant is uncertain due to the absence of conclusive functional and genetic evidence.

Labcorp Genetics (formerly Invitae), Labcorp
Classification: Uncertain significance for Jeune thoracic dystrophy; Nephronophthisis. Last evaluated: 2024-07-15. Review status: criteria provided, single submitter. Criteria: Invitae Variant Classification Sherloc (09022015). Collection method: clinical testing. Allele origin: germline.
Comment: This sequence change replaces isoleucine, which is neutral and non-polar, with threonine, which is neutral and polar, at codon 670 of the TTC21B protein (p.Ile670Thr). This variant is present in population databases (rs778504663, gnomAD 0.002%). This variant has not been reported in the literature in individuals affected with TTC21B-related conditions. ClinVar contains an entry for this variant (Variation ID: 1502806). Advanced modeling of protein sequence and biophysical properties (such as structural, functional, and spatial information, amino acid conservation, physicochemical variation, residue mobility, and thermodynamic stability) performed at Invitae indicates that this missense variant is not expected to disrupt TTC21B protein function with a negative predictive value of 95%. In summary, the available evidence is currently insufficient to determine the role of this variant in disease. Therefore, it has been classified as a Variant of Uncertain Significance.

Breakthrough Genomics
Classification: Uncertain significance. Review status: criteria provided, single submitter. Criteria: ACMG Guidelines, 2015. Collection method: not provided. Allele origin: germline. Inheritance: Autosomal recessive inheritance. Affected: yes.